The following is an entry in ClinVar:

NM_001369.3(DNAH5):c.8043A>C (p.Glu2681Asp)

Gene: DNAH5 (dynein axonemal heavy chain 5; minus strand). Cytogenetic location: 5p15.2.
Variant type: single nucleotide variant.
Coding change: c.8043A>C on transcript NM_001369.3 (MANE Select); coding-DNA position 8043, A replaced by C.
Protein change: p.Glu2681Asp; replaces glutamic acid 2681 with aspartic acid.
Molecular consequence: missense variant.
Genome position (GRCh38, 1-based): chr5:13,793,696, T>G on the plus strand (A>C on the coding strand, the complement: DNAH5 is on the minus strand). VCF-style: chr5-13793696-T-G. GRCh37 (hg19) VCF-style: chr5-13793805-T-G.
Other names: short protein forms E2681D.
Identifiers: ClinVar variation 2077903 (VCV002077903.3), dbSNP rs1468245529, ClinGen allele CA359221568.

ClinVar aggregate classification (germline): Uncertain significance (1 of 4 stars; one submission).

Conditions:
Primary ciliary dyskinesia. Also called: Ciliary dyskinesia. Identifiers: Orphanet 244, MedGen C0008780, MONDO:0016575, HP:0012265.

Submission:

Labcorp Genetics (formerly Invitae), Labcorp
Classification: Uncertain significance for Primary ciliary dyskinesia. Last evaluated: 2025-02-24. Review status: criteria provided, single submitter. Criteria: Invitae Variant Classification Sherloc (09022015). Collection method: clinical testing. Allele origin: germline.
Comment: This sequence change replaces glutamic acid, which is acidic and polar, with aspartic acid, which is acidic and polar, at codon 2681 of the DNAH5 protein (p.Glu2681Asp). This variant is not present in population databases (gnomAD no frequency). This variant has not been reported in the literature in individuals affected with DNAH5-related conditions. ClinVar contains an entry for this variant (Variation ID: 2077903). Invitae Evidence Modeling of protein sequence and biophysical properties (such as structural, functional, and spatial information, amino acid conservation, physicochemical variation, residue mobility, and thermodynamic stability) indicates that this missense variant is not expected to disrupt DNAH5 protein function with a negative predictive value of 95%. In summary, the available evidence is currently insufficient to determine the role of this variant in disease. Therefore, it has been classified as a Variant of Uncertain Significance.